The following is an entry in ClinVar:

NM_005245.4(FAT1):c.663A>C (p.Glu221Asp)

Gene: FAT1 (FAT atypical cadherin 1; minus strand). Cytogenetic location: 4q35.2.
Variant type: single nucleotide variant.
Coding change: c.663A>C on transcript NM_005245.4 (MANE Select); coding-DNA position 663, A replaced by C.
Protein change: p.Glu221Asp; replaces glutamic acid 221 with aspartic acid.
Molecular consequence: missense variant.
Genome position (GRCh38, 1-based): chr4:186,709,165, T>G on the plus strand (A>C on the coding strand, the complement: FAT1 is on the minus strand). VCF-style: chr4-186709165-T-G. GRCh37 (hg19) VCF-style: chr4-187630319-T-G.
Other names: short protein forms E221D.
Identifiers: ClinVar variation 1363013 (VCV001363013.6), dbSNP rs2126702043, ClinGen allele CA358990793.

ClinVar aggregate classification (germline): Uncertain significance (1 of 4 stars; one submission).

Submission:

Labcorp Genetics (formerly Invitae), Labcorp
Classification: Uncertain significance. Last evaluated: 2021-12-10. Review status: criteria provided, single submitter. Criteria: Invitae Variant Classification Sherloc (09022015). Collection method: clinical testing. Allele origin: germline.
Comment: In summary, the available evidence is currently insufficient to determine the role of this variant in disease. Therefore, it has been classified as a Variant of Uncertain Significance. Algorithms developed to predict the effect of missense changes on protein structure and function are either unavailable or do not agree on the potential impact of this missense change (SIFT: "Deleterious"; PolyPhen-2: "Benign"; Align-GVGD: "Class C35"). This variant has not been reported in the literature in individuals affected with FAT1-related conditions. This variant is not present in population databases (gnomAD no frequency). This sequence change replaces glutamic acid, which is acidic and polar, with aspartic acid, which is acidic and polar, at codon 221 of the FAT1 protein (p.Glu221Asp).